The following is an entry in ClinVar:

ClinVar aggregate classification (germline): Likely benign. Review status: criteria provided, multiple submitters, no conflicts (2 of 4 stars). 2 submissions from 2 submitters: Likely benign (2). Last evaluated 2026-07-13.

Conditions:
CDH23-related disorder. Also called: CDH23-related condition; CDH23-related disorders.

Allele frequency attached by ClinVar (database versions not stated): TOPMed 0.00001; ESP Exome Variant Server 0.00008.
gnomAD v4.1: 7 of 1,605,580 alleles (0.00044%); highest among the groups gnomAD compares: Non-Finnish European, 0.0006%; no homozygotes.

Submissions (2):

PreventionGenetics, part of Exact Sciences
Classification: Likely benign for CDH23-related condition. Last evaluated: 2026-07-13. Review status: criteria provided, single submitter. Criteria: ACMG Guidelines, 2015. Collection method: clinical testing. Allele origin: germline.
Comment: This variant is classified as likely benign based on ACMG/AMP sequence variant interpretation guidelines (Richards et al. 2015 PMID: 25741868, with internal and published modifications).

Labcorp Genetics (formerly Invitae), Labcorp
Classification: Likely benign. Last evaluated: 2026-01-27. Review status: criteria provided, single submitter. Criteria: Invitae Variant Classification Sherloc (09022015). Collection method: clinical testing. Allele origin: germline.

NM_022124.6(CDH23):c.4105-4G>A

Genes: C10orf105 (chromosome 10 open reading frame 105; minus strand), CDH23 (cadherin related 23; plus strand). Cytogenetic location: 10q22.1.
Variant type: single nucleotide variant.
Coding change: c.4105-4G>A on transcript NM_022124.6 (MANE Select); 4 bases into the intron before coding-DNA position 4105, G replaced by A.
Molecular consequence: intron variant.
Genome position (GRCh38, 1-based): chr10:71,734,236, G>A. VCF-style: chr10-71734236-G-A. GRCh37 (hg19) VCF-style: chr10-73493993-G-A.
Other names: c.-6+3492C>T (NM_001168390.2).
Identifiers: ClinVar variation 1136156 (VCV001136156.10), dbSNP rs376447805, ClinGen allele CA209481474.